The following is an entry in ClinVar:

ClinVar aggregate classification (germline): Uncertain significance. Review status: criteria provided, multiple submitters, no conflicts (2 of 4 stars). 2 submissions from 2 submitters: Uncertain significance (2). Last evaluated 2022-06-13.

Conditions:
Familial cold autoinflammatory syndrome 3 (FCAS3). Also called: FAMILIAL ATYPICAL COLD URTICARIA; ANTIBODY DEFICIENCY AND IMMUNE DYSREGULATION, PLCG2-ASSOCIATED. Identifiers: Orphanet 300359, MedGen C3280914, MONDO:0013766, OMIM 614468.
Autoinflammation-PLCG2-associated antibody deficiency-immune dysregulation. Also called: Autoinflammation, antibody deficiency, and immune dysregulation, plcg2-associated; AUTOINFLAMMATION, ANTIBODY DEFICIENCY, AND IMMUNE DYSREGULATION; Autoinflammation, antibody deficiency, and immune dysregulation syndrome. Identifiers: Orphanet 324530, MedGen C3553961, MONDO:0013944, OMIM 614878.

Allele frequency attached by ClinVar (database versions not stated): ExAC 0.00001; gnomAD exomes 0.00001; gnomAD 0.00002; TOPMed 0.00002.
gnomAD v4.1: 20 of 1,614,010 alleles (0.0012%); highest among the groups gnomAD compares: Non-Finnish European, 0.0015%; no homozygotes.

Submissions (2):

Labcorp Genetics (formerly Invitae), Labcorp
Classification: Uncertain significance for Familial cold autoinflammatory syndrome 3. Last evaluated: 2022-06-13. Review status: criteria provided, single submitter. Criteria: Invitae Variant Classification Sherloc (09022015). Collection method: clinical testing. Allele origin: germline.
Comment: This sequence change replaces glutamic acid, which is acidic and polar, with glycine, which is neutral and non-polar, at codon 593 of the PLCG2 protein (p.Glu593Gly). This variant is present in population databases (rs776632754, gnomAD 0.002%). In summary, the available evidence is currently insufficient to determine the role of this variant in disease. Therefore, it has been classified as a Variant of Uncertain Significance. Algorithms developed to predict the effect of missense changes on protein structure and function are either unavailable or do not agree on the potential impact of this missense change (SIFT: "Tolerated"; PolyPhen-2: "Possibly Damaging"; Align-GVGD: "Class C0"). ClinVar contains an entry for this variant (Variation ID: 571262). This variant has not been reported in the literature in individuals affected with PLCG2-related conditions.

Fulgent Genetics
Classification: Uncertain significance for Familial cold autoinflammatory syndrome 3; Autoinflammation-PLCG2-associated antibody deficiency-immune dysregulation. Last evaluated: 2021-07-20. Review status: criteria provided, single submitter. Criteria: ACMG Guidelines, 2015. Collection method: clinical testing. Allele origin: unknown.

NM_002661.5(PLCG2):c.1778A>G (p.Glu593Gly)

Gene: PLCG2 (phospholipase C gamma 2; plus strand). Cytogenetic location: 16q23.3.
Variant type: single nucleotide variant.
Coding change: c.1778A>G on transcript NM_002661.5 (MANE Select); coding-DNA position 1778, A replaced by G.
Protein change: p.Glu593Gly; replaces glutamic acid 593 with glycine.
Molecular consequence: missense variant.
Genome position (GRCh38, 1-based): chr16:81,910,564, A>G. VCF-style: chr16-81910564-A-G. GRCh37 (hg19) VCF-style: chr16-81944169-A-G.
Other names: short protein forms E593G.
Identifiers: ClinVar variation 571262 (VCV000571262.11), dbSNP rs776632754, ClinGen allele CA8193936.
Genomic context (GRCh38, chr16:81,910,564, plus strand): 5'-CGTCCTCTCCCCGCAGGCGGTCAGGCCGGGTCCAGCACTGCCGGATCCGCTCCACCATGG[A>G]GGGCGGGACCCTGAAATACTACTTGACTGACAACCTCACCTTCAGCAGCATCTATGCCCT-3'
Protein context (NP_002652.2, residues 583-603): VQHCRIRSTM[Glu593Gly]GGTLKYYLTD